The following is an entry in ClinVar:

NM_003803.4(MYOM1):c.2209+4A>G

Gene: MYOM1 (myomesin 1; minus strand). Cytogenetic location: 18p11.31.
Variant type: single nucleotide variant.
Coding change: c.2209+4A>G on transcript NM_003803.4 (MANE Select); 4 bases into the intron after coding-DNA position 2209, A replaced by G.
Molecular consequence: intron variant.
Genome position (GRCh38, 1-based): chr18:3,135,543, T>C on the plus strand (A>G on the coding strand, the complement: MYOM1 is on the minus strand). VCF-style: chr18-3135543-T-C. GRCh37 (hg19) VCF-style: chr18-3135541-T-C.
Other names: c.2209+4A>G (NM_019856.2).
Identifiers: ClinVar variation 566713 (VCV000566713.6), dbSNP rs1567926056, ClinGen allele CA891843552.

ClinVar aggregate classification (germline): Uncertain significance (1 of 4 stars; one submission).

Conditions:
Hypertrophic cardiomyopathy. Also called: HYPERTROPHIC MYOCARDIOPATHY. Identifiers: Orphanet 217569, MedGen C0007194, MeSH D002312, MONDO:0005045, HP:0001639.

Submission:

Labcorp Genetics (formerly Invitae), Labcorp
Classification: Uncertain significance for Hypertrophic cardiomyopathy. Last evaluated: 2018-05-02. Review status: criteria provided, single submitter. Criteria: Invitae Variant Classification Sherloc (09022015). Collection method: clinical testing. Allele origin: germline.
Comment: In summary, the available evidence is currently insufficient to determine the role of this variant in disease. Therefore, it has been classified as a Variant of Uncertain Significance. Nucleotide substitutions within the consensus splice site are a relatively common cause of aberrant splicing (PMID: 17576681, 9536098). Algorithms developed to predict the effect of sequence changes on RNA splicing suggest that this variant may disrupt the consensus splice site, but this prediction has not been confirmed by published transcriptional studies. This variant has not been reported in the literature in individuals with MYOM1-related disease. This variant is not present in population databases (ExAC no frequency). This sequence change falls in intron 15 of the MYOM1 gene. It does not directly change the encoded amino acid sequence of the MYOM1 protein, but it affects a nucleotide within the consensus splice site of the intron.

Literature cited by the submitters: PubMed 17576681; PubMed 9536098.